The following is an entry in ClinVar:

NM_031407.7(HUWE1):c.10540G>C (p.Ala3514Pro)

Gene: HUWE1 (HECT, UBA and WWE domain containing E3 ubiquitin protein ligase 1; minus strand). Cytogenetic location: Xp11.22.
Variant type: single nucleotide variant.
Coding change: c.10540G>C on transcript NM_031407.7 (MANE Select); coding-DNA position 10540, G replaced by C.
Protein change: p.Ala3514Pro; replaces alanine 3514 with proline.
Molecular consequence: missense variant.
Genome position (GRCh38, 1-based): chrX:53,547,769, C>G on the plus strand (G>C on the coding strand, the complement: HUWE1 is on the minus strand). VCF-style: chrX-53547769-C-G. GRCh37 (hg19) VCF-style: chrX-53574730-C-G.
Other names: short protein forms A3514P.
Identifiers: ClinVar variation 3694148 (VCV003694148.2).
Genomic context (GRCh38, chrX:53,547,769, plus strand): 5'-CTGTGGTCGAAGCAGCTACGACAATGGTGGAAATAGCCGTGGCAGCAACCAGGGCTGGAG[C>G]AGAAGTGACAGGGGTGGGTGCAGTAGGGGGTGTGGGCGTGGTGGAGGCGGCAGTGGTGGT-3'
Protein context (NP_113584.3, residues 3504-3524): PPTAPTPVTS[Ala3514Pro]PALVAATAIS

ClinVar aggregate classification (germline): Uncertain significance (1 of 4 stars; one submission).

gnomAD v4.1: 6 of 1,199,914 alleles (0.0005%); highest among the groups gnomAD compares: Non-Finnish European, 0.00067%; no homozygotes.

Submission:

Labcorp Genetics (formerly Invitae), Labcorp
Classification: Uncertain significance. Last evaluated: 2025-01-27. Review status: criteria provided, single submitter. Criteria: Invitae Variant Classification Sherloc (09022015). Collection method: clinical testing. Allele origin: germline.
Comment: This sequence change replaces alanine, which is neutral and non-polar, with proline, which is neutral and non-polar, at codon 3514 of the HUWE1 protein (p.Ala3514Pro). This variant is not present in population databases (gnomAD no frequency). This variant has not been reported in the literature in individuals affected with HUWE1-related conditions. Invitae Evidence Modeling of protein sequence and biophysical properties (such as structural, functional, and spatial information, amino acid conservation, physicochemical variation, residue mobility, and thermodynamic stability) indicates that this missense variant is not expected to disrupt HUWE1 protein function with a negative predictive value of 95%. In summary, the available evidence is currently insufficient to determine the role of this variant in disease. Therefore, it has been classified as a Variant of Uncertain Significance.